The following is an entry in ClinVar:

NM_020822.3(KCNT1):c.3232C>T (p.Pro1078Ser)

Gene: KCNT1 (potassium sodium-activated channel subfamily T member 1; plus strand). Cytogenetic location: 9q34.3.
Variant type: single nucleotide variant.
Coding change: c.3232C>T on transcript NM_020822.3 (MANE Select); coding-DNA position 3232, C replaced by T.
Protein change: p.Pro1078Ser; replaces proline 1078 with serine.
Molecular consequence: missense variant.
Genome position (GRCh38, 1-based): chr9:135,786,251, C>T. VCF-style: chr9-135786251-C-T. GRCh37 (hg19) VCF-style: chr9-138678097-C-T.
Other names: c.3097C>T, p.Pro1033Ser (NM_001272003.2); short protein forms P1033S, P1078S.
Identifiers: ClinVar variation 1041701 (VCV001041701.9), dbSNP rs1834038347, ClinGen allele CA375491550.
Genomic context (GRCh38, chr9:135,786,251, plus strand): 5'-GCCCAGTCCCAGATCTCGGTGAACGTGGAGGACTGTGAGGACACACGGGAAGTGAAGGGG[C>T]CCTGGGGCTCCCGCGCTGGCACCGGAGGCAGCTCCCAGGGCCGCCACACGGGCGGCGGTG-3'
Protein context (NP_065873.2, residues 1068-1088): DCEDTREVKG[Pro1078Ser]WGSRAGTGGS

ClinVar aggregate classification (germline): Uncertain significance (1 of 4 stars; one submission).

Conditions:
Autosomal dominant nocturnal frontal lobe epilepsy 5. Also called: KCNT1-Related Epilepsy; CILIARY DYSKINESIA, PRIMARY, 28, WITHOUT SITUS INVERSUS; CILIARY DYSKINESIA, PRIMARY, 28, WITH SITUS INVERSUS; Epilepsy, nocturnal frontal lobe, 5. Identifiers: Orphanet 98784, MedGen C3554306, MONDO:0014002, OMIM 615005.
Developmental and epileptic encephalopathy, 14 (DEE14). Also called: Early infantile epileptic encephalopathy 14. Identifiers: Orphanet 293181, MedGen C3554195, MONDO:0013989, OMIM 614959.

Allele frequency attached by ClinVar (database versions not stated): gnomAD exomes below 0.00001.
gnomAD v4.1: 1 of 1,611,290 alleles (0.000062%); highest among the groups gnomAD compares: Non-Finnish European, 0.000085%; no homozygotes.

Submission:

Labcorp Genetics (formerly Invitae), Labcorp
Classification: Uncertain significance for Autosomal dominant nocturnal frontal lobe epilepsy 5; Developmental and epileptic encephalopathy, 14. Last evaluated: 2024-12-30. Review status: criteria provided, single submitter. Criteria: Invitae Variant Classification Sherloc (09022015). Collection method: clinical testing. Allele origin: germline.
Comment: This sequence change replaces proline, which is neutral and non-polar, with serine, which is neutral and polar, at codon 1078 of the KCNT1 protein (p.Pro1078Ser). This variant is not present in population databases (gnomAD no frequency). This variant has not been reported in the literature in individuals affected with KCNT1-related conditions. ClinVar contains an entry for this variant (Variation ID: 1041701). Invitae Evidence Modeling of protein sequence and biophysical properties (such as structural, functional, and spatial information, amino acid conservation, physicochemical variation, residue mobility, and thermodynamic stability) indicates that this missense variant is not expected to disrupt KCNT1 protein function with a negative predictive value of 80%. In summary, the available evidence is currently insufficient to determine the role of this variant in disease. Therefore, it has been classified as a Variant of Uncertain Significance.